The following is an entry in ClinVar:

NM_002778.4(PSAP):c.16C>T (p.Leu6Phe)

Gene: PSAP (prosaposin; minus strand). Cytogenetic location: 10q22.1.
Variant type: single nucleotide variant.
Coding change: c.16C>T on transcript NM_002778.4 (MANE Select); coding-DNA position 16, C replaced by T.
Protein change: p.Leu6Phe; replaces leucine 6 with phenylalanine.
Molecular consequence: missense variant.
Genome position (GRCh38, 1-based): chr10:71,851,206, G>A on the plus strand (C>T on the coding strand, the complement: PSAP is on the minus strand). VCF-style: chr10-71851206-G-A. GRCh37 (hg19) VCF-style: chr10-73610963-G-A.
Other names: p.Leu6Phe; c.16C>T, p.Leu6Phe (NM_001042465.3, NM_001042466.3); short protein forms L6F.
Identifiers: ClinVar variation 791718 (VCV000791718.17), dbSNP rs148279196, ClinGen allele CA5547943.

ClinVar aggregate classification (germline): Benign/Likely benign. Review status: criteria provided, multiple submitters, no conflicts (2 of 4 stars). 7 submissions from 7 submitters: Benign (2); Likely benign (3). 2 of the submissions do not count toward it. Last evaluated 2026-01-28.

Conditions:
Metachromatic leukodystrophy (MLD). Also called: SULFATIDE LIPIDOSIS; Cerebral sclerosis diffuse metachromatic form; Arylsulfatase A Deficiency; METACHROMATIC LEUKOENCEPHALOPATHY; ARSA DEFICIENCY; CEREBROSIDE SULFATASE DEFICIENCY. Identifiers: Orphanet 512, MedGen C0023522, MONDO:0018868, OMIM 250100.
PSAP-related disorder. Also called: PSAP-related condition.
Sphingolipid activator protein 1 deficiency. Also called: Saposin B Deficiency; METACHROMATIC LEUKODYSTROPHY DUE TO CEREBROSIDE SULFATASE ACTIVATOR DEFICIENCY; Metachromatic leukodystrophy due to saposin B deficiency. Identifiers: Orphanet 512, MedGen C0268262, MONDO:0009590, OMIM 249900.

Allele frequency attached by ClinVar (database versions not stated): gnomAD exomes 0.00028 and 0.00066; ExAC 0.00132; ESP Exome Variant Server 0.00182; gnomAD 0.00259 and 0.00269; TOPMed 0.00291; 1000 Genomes Project 30x 0.00515; 1000 Genomes Project 0.00519.
gnomAD v4.1: 804 of 1,551,144 alleles (0.052%); highest among the groups gnomAD compares: African/African-American, 0.95%; 5 homozygotes.

Submissions (7):

Labcorp Genetics (formerly Invitae), Labcorp
Classification: Benign for Sphingolipid activator protein 1 deficiency. Last evaluated: 2026-01-28. Review status: criteria provided, single submitter. Criteria: Invitae Variant Classification Sherloc (09022015). Collection method: clinical testing. Allele origin: germline.

Mayo Clinic Laboratories, Mayo Clinic
Classification: Likely benign. Last evaluated: 2025-09-03. Review status: criteria provided, single submitter. Criteria: ACMG Guidelines, 2015. Collection method: clinical testing. Allele origin: germline. Observed: 4 variant alleles.
Comment: BS1, BP4

Blueprint Genetics
Classification: Likely benign. Last evaluated: 2024-11-13. Review status: criteria provided, single submitter. Criteria: ACMG Guidelines, 2015. Collection method: clinical testing. Allele origin: germline.

ARUP Laboratories, Molecular Genetics and Genomics, ARUP Laboratories
Classification: Likely benign. Last evaluated: 2023-09-18. Review status: criteria provided, single submitter. Criteria: ARUP Molecular Germline Variant Investigation Process 2024. Collection method: clinical testing. Allele origin: germline.

Breakthrough Genomics
Classification: Benign. Review status: criteria provided, single submitter. Criteria: ACMG Guidelines, 2015. Collection method: not provided. Allele origin: germline. Inheritance: Autosomal recessive inheritance. Affected: yes.

PreventionGenetics, part of Exact Sciences
Classification: Likely benign for PSAP-related condition. Last evaluated: 2021-01-19. Review status: no assertion criteria provided. Collection method: clinical testing. Allele origin: germline. Not counted in ClinVar's aggregate classification.
Comment: This variant is classified as likely benign based on ACMG/AMP sequence variant interpretation guidelines (Richards et al. 2015 PMID: 25741868, with internal and published modifications).

Natera, Inc.
Classification: Likely benign for Metachromatic leukodystrophy. Last evaluated: 2020-04-11. Review status: no assertion criteria provided. Collection method: clinical testing. Allele origin: germline. Not counted in ClinVar's aggregate classification.